The following is an entry in ClinVar:

NM_006031.6(PCNT):c.2711T>G (p.Leu904Arg)

Gene: PCNT (pericentrin; plus strand). Cytogenetic location: 21q22.3.
Variant type: single nucleotide variant.
Coding change: c.2711T>G on transcript NM_006031.6 (MANE Select); coding-DNA position 2711, T replaced by G.
Protein change: p.Leu904Arg; replaces leucine 904 with arginine.
Molecular consequence: missense variant.
Genome position (GRCh38, 1-based): chr21:46,366,685, T>G. VCF-style: chr21-46366685-T-G. GRCh37 (hg19) VCF-style: chr21-47786600-T-G.
Other names: c.2357T>G, p.Leu786Arg (NM_001315529.2); short protein forms L786R, L904R.
Identifiers: ClinVar variation 3658009 (VCV003658009.2).

ClinVar aggregate classification (germline): Uncertain significance (1 of 4 stars; one submission).

Submission:

Labcorp Genetics (formerly Invitae), Labcorp
Classification: Uncertain significance. Last evaluated: 2024-06-26. Review status: criteria provided, single submitter. Criteria: Invitae Variant Classification Sherloc (09022015). Collection method: clinical testing. Allele origin: germline.
Comment: This sequence change replaces leucine, which is neutral and non-polar, with arginine, which is basic and polar, at codon 904 of the PCNT protein (p.Leu904Arg). This variant is not present in population databases (gnomAD no frequency). This variant has not been reported in the literature in individuals affected with PCNT-related conditions. An algorithm developed to predict the effect of missense changes on protein structure and function (PolyPhen-2) suggests that this variant is likely to be disruptive. In summary, the available evidence is currently insufficient to determine the role of this variant in disease. Therefore, it has been classified as a Variant of Uncertain Significance.